The following is an entry in ClinVar:

ClinVar aggregate classification (germline): Benign. Review status: criteria provided, multiple submitters, no conflicts (2 of 4 stars). 2 submissions from 2 submitters: Benign (2). Last evaluated 2018-06-16.

Allele frequency attached by ClinVar (database versions not stated): 1000 Genomes Project 30x 0.35665; 1000 Genomes Project 0.35863; TOPMed 0.40380; gnomAD 0.41976 and 0.42023; gnomAD exomes 0.46914.
gnomAD v4.1: 594,498 of 1,286,778 alleles (46%); highest among the groups gnomAD compares: Non-Finnish European, 49%; 143,432 homozygotes.

Submissions (2):

GeneDx
Classification: Benign. Last evaluated: 2018-06-16. Review status: criteria provided, single submitter. Criteria: GeneDx Variant Classification (06012015). Collection method: clinical testing. Allele origin: germline. Affected: yes.
Comment: This variant is considered likely benign or benign based on one or more of the following criteria: it is a conservative change, it occurs at a poorly conserved position in the protein, it is predicted to be benign by multiple in silico algorithms, and/or has population frequency not consistent with disease.

Breakthrough Genomics
Classification: Benign. Review status: criteria provided, single submitter. Criteria: ACMG Guidelines, 2015. Collection method: not provided. Allele origin: germline. Inheritance: Autosomal recessive inheritance. Affected: yes.

NM_032578.4(MYPN):c.3285+115G>A

Gene: MYPN (myopalladin; plus strand). Cytogenetic location: 10q21.3.
Variant type: single nucleotide variant.
Coding change: c.3285+115G>A on transcript NM_032578.4 (MANE Select); 115 bases into the intron after coding-DNA position 3285, G replaced by A.
Molecular consequence: intron variant.
Genome position (GRCh38, 1-based): chr10:68,197,593, G>A. VCF-style: chr10-68197593-G-A. GRCh37 (hg19) VCF-style: chr10-69957350-G-A.
Other names: c.3285+115G>A (NM_001256267.2); c.2403+115G>A (NM_001256268.2).
Identifiers: ClinVar variation 671149 (VCV000671149.2), dbSNP rs7095607, ClinGen allele CA208224611.